The following is an entry in ClinVar:

NM_181552.4(CUX1):c.4000G>A (p.Glu1334Lys)

Gene: CUX1 (cut like homeobox 1; plus strand). Cytogenetic location: 7q22.1.
Variant type: single nucleotide variant.
Coding change: c.4000G>A on transcript NM_181552.4 (MANE Select); coding-DNA position 4000, G replaced by A.
Protein change: p.Glu1334Lys; replaces glutamic acid 1334 with lysine.
Molecular consequence: missense variant. On other transcripts: intron variant (5).
Genome position (GRCh38, 1-based): chr7:102,248,524, G>A. VCF-style: chr7-102248524-G-A. GRCh37 (hg19) VCF-style: chr7-101891804-G-A.
Other names: c.4033G>A, p.Glu1345Lys (NM_001202543.2); c.1256-24842G>A (NM_001913.5); c.1250-24842G>A (NM_181500.4); c.1118-24842G>A (NM_001202545.3); c.1208-24842G>A (NM_001202544.3); c.1139-24842G>A (NM_001202546.3); short protein forms E1334K, E1345K.
Identifiers: ClinVar variation 4822853 (VCV004822853.4).

ClinVar aggregate classification (germline): Uncertain significance (1 of 4 stars; one submission).

Submission:

CeGaT Center for Human Genetics Tuebingen
Classification: Uncertain significance. Last evaluated: 2026-01-01. Review status: criteria provided, single submitter. Criteria: CeGaT Center For Human Genetics Tuebingen Variant Classification Criteria Version 2. Collection method: clinical testing. Allele origin: germline. Affected: yes. Observed: 1 variant allele.
Comment: CUX1: PM2, PP2